The following is an entry in ClinVar:

NM_001040142.2(SCN2A):c.4407del (p.Ile1469fs)

Gene: SCN2A (sodium voltage-gated channel alpha subunit 2; plus strand). Cytogenetic location: 2q24.3.
Variant type: Deletion.
Coding change: c.4407del on transcript NM_001040142.2 (MANE Select); coding-DNA position 4407, one base deleted (T; older notation c.4407delT).
Protein change: p.Ile1469fs; shifts the reading frame from isoleucine 1469.
Molecular consequence: frameshift variant.
Genome position (GRCh38, 1-based): chr2:165,380,690, T deleted; the last of 2 consecutive T bases (chr2:165,380,689-165,380,690); deleting either gives the same sequence. VCF-style (leftmost placement, unchanged base first): chr2-165380688-AT-A. GRCh37 (hg19) VCF-style: chr2-166237198-AT-A.
Other names: c.4407del, p.Ile1469fs (NM_001040143.2, NM_001371246.1, NM_001371247.1 and 1 more transcripts); short protein forms I1469fs.
Identifiers: ClinVar variation 1740362 (VCV001740362.2), dbSNP rs2468126622, ClinGen allele CA2580064453.
Genomic context (GRCh38, chr2:165,380,688, plus strand): 5'-ATGTATCTTTATTTTGTCATCTTTATTATTTTTGGTTCATTCTTTACCTTGAATCTTTTC[AT>A]TGGTGTCATCATAGATAACTTCAACCAACAGAAAAAGAAGATAAGTATATTAAAACTTCA-3'

ClinVar aggregate classification (germline): Pathogenic (1 of 4 stars; one submission).

Conditions:
Inborn genetic diseases. Identifiers: MedGen C0950123, MeSH D030342.

Submission:

Ambry Genetics
Classification: Pathogenic for Inborn genetic diseases. Last evaluated: 2019-08-30. Review status: criteria provided, single submitter. Criteria: Ambry Variant Classification Scheme 2023. Collection method: clinical testing. Allele origin: germline.
Comment: The c.4407delT pathogenic mutation, located in coding exon 23 of the SCN2A gene, results from a deletion of one nucleotide at nucleotide position 4407, causing a translational frameshift with a predicted alternate stop codon (p.I1469Mfs*5). This alteration is expected to result in loss of function by premature protein truncation or nonsense-mediated mRNA decay. As such, this alteration is interpreted as a disease-causing mutation.